The following is an entry in ClinVar:

NM_004385.5(VCAN):c.9856A>T (p.Thr3286Ser)

Gene: VCAN (versican; plus strand). Cytogenetic location: 5q14.3.
Variant type: single nucleotide variant.
Coding change: c.9856A>T on transcript NM_004385.5 (MANE Select); coding-DNA position 9856, A replaced by T.
Protein change: p.Thr3286Ser; replaces threonine 3286 with serine.
Molecular consequence: missense variant.
Genome position (GRCh38, 1-based): chr5:83,572,536, A>T. VCF-style: chr5-83572536-A-T. GRCh37 (hg19) VCF-style: chr5-82868355-A-T.
Other names: c.1633A>T, p.Thr545Ser (NM_001126336.3); c.6895A>T, p.Thr2299Ser (NM_001164097.2); c.4594A>T, p.Thr1532Ser (NM_001164098.2); short protein forms T3286S, T545S, T1532S, T2299S.
Identifiers: ClinVar variation 4765834 (VCV004765834.1).

ClinVar aggregate classification (germline): Uncertain significance (1 of 4 stars; one submission).

gnomAD v4.1: 1 of 1,613,850 alleles (0.000062%); highest among the groups gnomAD compares: Non-Finnish European, 0.000085%; no homozygotes.

Submission:

Labcorp Genetics (formerly Invitae), Labcorp
Classification: Uncertain significance. Last evaluated: 2025-06-19. Review status: criteria provided, single submitter. Criteria: Invitae Variant Classification Sherloc (09022015). Collection method: clinical testing. Allele origin: germline.
Comment: This sequence change replaces threonine, which is neutral and polar, with serine, which is neutral and polar, at codon 3286 of the VCAN protein (p.Thr3286Ser). This variant is not present in population databases (gnomAD no frequency). This variant has not been reported in the literature in individuals affected with VCAN-related conditions. An algorithm developed to predict the effect of missense changes on protein structure and function (PolyPhen-2) suggests that this variant is likely to be disruptive. In summary, the available evidence is currently insufficient to determine the role of this variant in disease. Therefore, it has been classified as a Variant of Uncertain Significance.